The following is an entry in ClinVar:

NM_002076.4(GNS):c.974C>G (p.Ser325Ter)

Gene: GNS (glucosamine (N-acetyl)-6-sulfatase; minus strand). Cytogenetic location: 12q14.3.
Variant type: single nucleotide variant.
Coding change: c.974C>G on transcript NM_002076.4 (MANE Select); coding-DNA position 974, C replaced by G.
Protein change: p.Ser325Ter; replaces serine 325 with a stop codon.
Molecular consequence: nonsense.
Genome position (GRCh38, 1-based): chr12:64,739,401, G>C on the plus strand (C>G on the coding strand, the complement: GNS is on the minus strand). VCF-style: chr12-64739401-G-C. GRCh37 (hg19) VCF-style: chr12-65133181-G-C.
Other names: short protein forms S325*.
Identifiers: ClinVar variation 2031201 (VCV002031201.4), dbSNP rs2539519779, ClinGen allele CA385607592.

ClinVar aggregate classification (germline): Pathogenic (1 of 4 stars; one submission).

Conditions:
Mucopolysaccharidosis, MPS-III-D (MPS3D). Also called: N-ACETYLGLUCOSAMINE-6-SULFATASE DEFICIENCY; SANFILIPPO SYNDROME D; MPS III D; Mucopoly-saccharidosis type 3D; N-acetylglucosamine-6-sulfate sulfatase deficiency; MPS 3D. Identifiers: Orphanet 581, Orphanet 79272, MedGen C0086650, MONDO:0009658, OMIM 252940.

Allele frequency attached by ClinVar (database versions not stated): gnomAD exomes below 0.00001.
gnomAD v4.1: 1 of 1,547,644 alleles (0.000065%); highest among the groups gnomAD compares: South Asian, 0.0011%; no homozygotes.

Submission:

Labcorp Genetics (formerly Invitae), Labcorp
Classification: Pathogenic for Mucopolysaccharidosis, MPS-III-D. Last evaluated: 2022-09-19. Review status: criteria provided, single submitter. Criteria: Invitae Variant Classification Sherloc (09022015). Collection method: clinical testing. Allele origin: germline.
Comment: For these reasons, this variant has been classified as Pathogenic. This variant has not been reported in the literature in individuals affected with GNS-related conditions. This variant is not present in population databases (gnomAD no frequency). This sequence change creates a premature translational stop signal (p.Ser325*) in the GNS gene. It is expected to result in an absent or disrupted protein product. Loss-of-function variants in GNS are known to be pathogenic (PMID: 20232353).

Literature cited by the submitters: PubMed 20232353.